The following is an entry in ClinVar:

ClinVar aggregate classification (germline): Conflicting classifications of pathogenicity. Review status: criteria provided, conflicting classifications (1 of 4 stars). 4 submissions from 4 submitters: Uncertain significance (3); Likely benign (1). Last evaluated 2026-01-05.

Conditions:
Aicardi-Goutieres syndrome 6 (AGS6). Identifiers: Orphanet 51, MedGen C3539013, MONDO:0014007, OMIM 615010.
Intellectual disability. Also called: Intellectual functioning disability; intellectual disabilities; Intellectual developmental disorder. Identifiers: MedGen C3714756, MeSH D008607, MONDO:0001071, HP:0001249.
Symmetrical dyschromatosis of extremities (DSH). Also called: RETICULATE ACROPIGMENTATION OF DOHI; SYMMETRIC DYSCHROMATOSIS OF THE EXTREMITIES; Dyschromatosis symmetrica hereditaria; DYSCHROMATOSIS SYMMETRICA HEREDITARIA 1. Identifiers: Orphanet 41, MedGen C0406775, MONDO:0007483, OMIM 127400.

Allele frequency attached by ClinVar (database versions not stated): gnomAD 0.00003; TOPMed 0.00005.
gnomAD v4.1: 410 of 1,614,046 alleles (0.025%); highest among the groups gnomAD compares: Non-Finnish European, 0.034%; no homozygotes.

Submissions (4):

Labcorp Genetics (formerly Invitae), Labcorp
Classification: Uncertain significance for Aicardi-Goutieres syndrome 6; Symmetrical dyschromatosis of extremities. Last evaluated: 2026-01-05. Review status: criteria provided, single submitter. Criteria: Invitae Variant Classification Sherloc (09022015). Collection method: clinical testing. Allele origin: germline.
Comment: This sequence change replaces alanine, which is neutral and non-polar, with serine, which is neutral and polar, at codon 515 of the ADAR protein (p.Ala515Ser). This variant is present in population databases (rs200830156, gnomAD 0.02%). This variant has not been reported in the literature in individuals affected with ADAR-related conditions. ClinVar contains an entry for this variant (Variation ID: 540263). Invitae Evidence Modeling of protein sequence and biophysical properties (such as structural, functional, and spatial information, amino acid conservation, physicochemical variation, residue mobility, and thermodynamic stability) indicates that this missense variant is not expected to disrupt ADAR protein function with a negative predictive value of 80%. In summary, the available evidence is currently insufficient to determine the role of this variant in disease. Therefore, it has been classified as a Variant of Uncertain Significance.

GeneDx
Classification: Uncertain significance. Last evaluated: 2024-12-10. Review status: criteria provided, single submitter. Criteria: GeneDx Variant Classification Process June 2021. Collection method: clinical testing. Allele origin: germline. Affected: yes.
Comment: In silico analysis indicates that this missense variant does not alter protein structure/function; Has not been previously published as pathogenic or benign to our knowledge

Genome-Nilou Lab
Classification: Uncertain significance for Aicardi-Goutieres syndrome 6. Last evaluated: 2023-04-11. Review status: criteria provided, single submitter. Criteria: ACMG Guidelines, 2015. Collection method: clinical testing. Allele origin: germline. Affected: no.

Cambridge Genomics Laboratory, East Genomic Laboratory Hub, NHS Genomic Medicine Service
Classification: Likely benign for Intellectual disability. Last evaluated: 2019-04-17. Review status: criteria provided, single submitter. Criteria: ACGS Best Practice Guidelines for Variant Classification in Rare Disease 2020. Collection method: clinical testing. Allele origin: germline. Affected: yes. Observed: 1 variant allele.

NM_001111.5(ADAR):c.1543G>T (p.Ala515Ser)

Gene: ADAR (adenosine deaminase RNA specific; minus strand). Cytogenetic location: 1q21.3.
Variant type: single nucleotide variant.
Coding change: c.1543G>T on transcript NM_001111.5 (MANE Select); coding-DNA position 1543, G replaced by T.
Protein change: p.Ala515Ser; replaces alanine 515 with serine.
Molecular consequence: missense variant.
Genome position (GRCh38, 1-based): chr1:154,601,099, C>A on the plus strand (G>T on the coding strand, the complement: ADAR is on the minus strand). VCF-style: chr1-154601099-C-A. GRCh37 (hg19) VCF-style: chr1-154573575-C-A.
Other names: c.1543G>T, p.Ala515Ser (LRG_1212t1, NM_015840.4, NM_015841.4); c.658G>T, p.Ala220Ser (NM_001025107.3, NM_001193495.2, NM_001365046.1 and 3 more transcripts); c.1570G>T, p.Ala524Ser (NM_001365045.1); short protein forms A515S, A220S, A524S.
Identifiers: ClinVar variation 540263 (VCV000540263.9), dbSNP rs200830156, ClinGen allele CA1131534.
Genomic context (GRCh38, chr1:154,601,099, plus strand): 5'-ACCGAGGTTCATGGGGTGGTCCACTCTGCTCTATCATGTTGAACTCACAGGTTTGACTAG[C>A]GAACTGGGCATATTCTAACAGCCCGCTGATGGGGTTCTTCAGCTGGCACTCTGTCAGTTT-3'
Protein context (NP_001102.3, residues 505-525): ISGLLEYAQF[Ala515Ser]SQTCEFNMIE